The following is an entry in ClinVar:

NM_198576.4(AGRN):c.3925C>T (p.Arg1309Trp)

Gene: AGRN (agrin; plus strand). Cytogenetic location: 1p36.33.
Variant type: single nucleotide variant.
Coding change: c.3925C>T on transcript NM_198576.4 (MANE Select); coding-DNA position 3925, C replaced by T.
Protein change: p.Arg1309Trp; replaces arginine 1309 with tryptophan.
Molecular consequence: missense variant.
Genome position (GRCh38, 1-based): chr1:1,048,185, C>T. VCF-style: chr1-1048185-C-T. GRCh37 (hg19) VCF-style: chr1-983565-C-T.
Other names: c.3925C>T, p.Arg1309Trp (NM_001305275.2); c.3610C>T, p.Arg1204Trp (NM_001364727.2); short protein forms R1204W, R1309W.
Identifiers: ClinVar variation 1469196 (VCV001469196.6), dbSNP rs564635058, ClinGen allele CA509278.

ClinVar aggregate classification (germline): Uncertain significance (1 of 4 stars; one submission).

Conditions:
Congenital myasthenic syndrome 8. Also called: MYASTHENIC SYNDROME, CONGENITAL, DUE TO AGRIN DEFICIENCY; Myasthenic syndrome, congenital, 8, with pre- and postsynaptic defects. Identifiers: Orphanet 590, MedGen C3808739, MONDO:0014052, OMIM 615120.

Allele frequency attached by ClinVar (database versions not stated): TOPMed 0.00001; gnomAD 0.00004; gnomAD exomes 0.00006 and 0.00010; ExAC 0.00016; 1000 Genomes Project 30x 0.00031; 1000 Genomes Project 0.00040.
gnomAD v4.1: 85 of 1,569,744 alleles (0.0054%); highest among the groups gnomAD compares: South Asian, 0.078%; no homozygotes.

Submission:

Labcorp Genetics (formerly Invitae), Labcorp
Classification: Uncertain significance for Congenital myasthenic syndrome 8. Last evaluated: 2021-10-31. Review status: criteria provided, single submitter. Criteria: Invitae Variant Classification Sherloc (09022015). Collection method: clinical testing. Allele origin: germline.
Comment: In summary, the available evidence is currently insufficient to determine the role of this variant in disease. Therefore, it has been classified as a Variant of Uncertain Significance. Algorithms developed to predict the effect of missense changes on protein structure and function are either unavailable or do not agree on the potential impact of this missense change (SIFT: "Deleterious"; PolyPhen-2: "Benign"; Align-GVGD: "Class C0"). This variant has not been reported in the literature in individuals affected with AGRN-related conditions. This variant is present in population databases (rs564635058, gnomAD 0.06%). This sequence change replaces arginine, which is basic and polar, with tryptophan, which is neutral and slightly polar, at codon 1309 of the AGRN protein (p.Arg1309Trp).